The following is an entry in ClinVar:

NM_147191.1(MMP21):c.614G>A (p.Trp205Ter)

Gene: MMP21 (matrix metallopeptidase 21; minus strand). Cytogenetic location: 10q26.2.
Variant type: single nucleotide variant.
Coding change: c.614G>A on transcript NM_147191.1 (MANE Select); coding-DNA position 614, G replaced by A.
Protein change: p.Trp205Ter; replaces tryptophan 205 with a stop codon.
Molecular consequence: nonsense.
Genome position (GRCh38, 1-based): chr10:125,773,914, C>T on the plus strand (G>A on the coding strand, the complement: MMP21 is on the minus strand). VCF-style: chr10-125773914-C-T. GRCh37 (hg19) VCF-style: chr10-127462483-C-T.
Other names: short protein forms W205*.
Identifiers: ClinVar variation 3062262 (VCV003062262.1), dbSNP rs2493742377, ClinGen allele CA378681111.

ClinVar aggregate classification (germline): Likely pathogenic (1 of 4 stars; one submission).

Conditions:
Heterotaxy, visceral, 7, autosomal (HTX7). Identifiers: Orphanet 450, MedGen C4225217, MONDO:0014762, OMIM 616749.

Allele frequency attached by ClinVar (database versions not stated): gnomAD exomes below 0.00001.
gnomAD v4.1: 1 of 1,584,662 alleles (0.000063%); highest among the groups gnomAD compares: Non-Finnish European, 0.000085%; no homozygotes.

Submission:

Molecular Genetics Department, Kulakov National Medical Research Center for Obstetrics, Gynecology and Perinatology
Classification: Likely pathogenic for Heterotaxy, visceral, 7, autosomal. Review status: criteria provided, single submitter. Criteria: ACMG Guidelines, 2015. Collection method: clinical testing. Allele origin: germline. Affected: yes.
Comment: A previously undescribed nucleotide variant creates a premature translation stop signal p.Trp205Ter in the MMP21 gene. Homozygous and compound heterozygous variants are reported in patients with Heterotaxy, visceral, 7, autosomal, 616749. The variant is not present in population database (gnomAD no frequency). In summary, the currently available evidence indicates that the variant is pathogenic, but additional data are needed to prove that conclusively. Therefore, this variant has been classified as likely pathogenic.